The following is an entry in ClinVar:

NM_001371596.2(MFSD8):c.1351-10C>G

Gene: MFSD8 (major facilitator superfamily domain containing 8; minus strand). Cytogenetic location: 4q28.2.
Variant type: single nucleotide variant.
Coding change: c.1351-10C>G on transcript NM_001371596.2 (MANE Select); 10 bases into the intron before coding-DNA position 1351, C replaced by G.
Molecular consequence: intron variant. On other transcripts: 3 prime UTR variant (2).
Genome position (GRCh38, 1-based): chr4:127,920,846, G>C on the plus strand (C>G on the coding strand, the complement: MFSD8 is on the minus strand). VCF-style: chr4-127920846-G-C. GRCh37 (hg19) VCF-style: chr4-128842001-G-C.
Other names: c.*913C>G (NM_001410766.1, NM_001437269.1); c.1069-10C>G (NM_001371595.1); c.901-10C>G (NM_001410765.1); c.1216-10C>G (NM_001371590.2); c.1351-10C>G (NM_152778.4); c.1036-10C>G (NM_001363521.3); c.1237-10C>G (NM_001371593.2); c.1150-10C>G (NM_001363520.3); and 3 more.
Identifiers: ClinVar variation 5018775 (VCV005018775.1).

ClinVar aggregate classification (germline): Uncertain significance (1 of 4 stars; one submission).

Conditions:
Macular dystrophy with central cone involvement (CCMD). Identifiers: MedGen C4015371, MONDO:0014515, OMIM 616170.
Neuronal ceroid lipofuscinosis 7 (CLN7). Also called: MFSD8-Related Neuronal Ceroid-Lipofuscinosis. Identifiers: Orphanet 168491, Orphanet 228366, MedGen C1838571, MONDO:0012588, OMIM 610951.

Submission:

Juno Genomics, Hangzhou Juno Genomics, Inc
Classification: Uncertain significance for Neuronal ceroid lipofuscinosis 7; Macular dystrophy with central cone involvement. Review status: criteria provided, single submitter. Criteria: ACMG Guidelines, 2015. Collection method: clinical testing. Allele origin: germline. Affected: yes.
Comment: Absent from controls (or at extremely low frequency if recessive) in Genome Aggregation Database.;Multiple lines of computational evidence support a deleterious effect on the gene or gene product.;For recessive disorders, detected in trans with a pathogenic variant.;Patient's phenotype or family history is highly specific for a disease with a single genetic etiology.